The following is an entry in ClinVar:

NM_001063.4(TF):c.804T>C (p.His268=)

Gene: TF (transferrin; plus strand). Cytogenetic location: 3q22.1.
Variant type: single nucleotide variant.
Coding change: c.804T>C on transcript NM_001063.4 (MANE Select); coding-DNA position 804, T replaced by C.
Protein change: p.His268=; no amino-acid change (histidine 268 retained).
Molecular consequence: synonymous variant.
Genome position (GRCh38, 1-based): chr3:133,756,943, T>C. VCF-style: chr3-133756943-T-C. GRCh37 (hg19) VCF-style: chr3-133475787-T-C.
Other names: c.672T>C, p.His224= (NM_001354703.2); c.423T>C, p.His141= (NM_001354704.2).
Identifiers: ClinVar variation 343440 (VCV000343440.14), dbSNP rs8177232, ClinGen allele CA2625098.

ClinVar aggregate classification (germline): Benign. Review status: criteria provided, multiple submitters, no conflicts (2 of 4 stars). 4 submissions from 4 submitters: Benign (4). Last evaluated 2026-02-04.

Conditions:
TF-related disorder. Also called: TF-related condition.
Atransferrinemia. Also called: Familial hypotransferrinemia. Identifiers: Orphanet 1195, MedGen C0521802, MONDO:0008846, OMIM 209300, HP:0012239.

Allele frequency attached by ClinVar (database versions not stated): gnomAD exomes 0.01418; ExAC 0.01721; gnomAD 0.05447 and 0.05865; 1000 Genomes Project 0.05631; ESP Exome Variant Server 0.06382; 1000 Genomes Project 30x 0.06012; TOPMed 0.06111.
gnomAD v4.1: 16,367 of 1,614,086 alleles (1%); highest among the groups gnomAD compares: African/African-American, 19%; 1,369 homozygotes.

Submissions (4):

Labcorp Genetics (formerly Invitae), Labcorp
Classification: Benign. Last evaluated: 2026-02-04. Review status: criteria provided, single submitter. Criteria: Invitae Variant Classification Sherloc (09022015). Collection method: clinical testing. Allele origin: germline.

PreventionGenetics, part of Exact Sciences
Classification: Benign for TF-related condition. Last evaluated: 2025-03-31. Review status: criteria provided, single submitter. Criteria: ACMG Guidelines, 2015. Collection method: clinical testing. Allele origin: germline.
Comment: This variant is classified as benign based on ACMG/AMP sequence variant interpretation guidelines (Richards et al. 2015 PMID: 25741868, with internal and published modifications).

Illumina Laboratory Services, Illumina
Classification: Benign for Atransferrinemia. Last evaluated: 2018-01-12. Review status: criteria provided, single submitter. Criteria: ICSL Variant Classification Criteria 13 December 2019. Collection method: clinical testing. Allele origin: germline.
Comment: This variant was observed in the ICSL laboratory as part of a predisposition screen in an ostensibly healthy population. It had not been previously curated by ICSL or reported in the Human Gene Mutation Database (HGMD: prior to June 1st, 2018), and was therefore a candidate for classification through an automated scoring system. Utilizing variant allele frequency, disease prevalence and penetrance estimates, and inheritance mode, an automated score was calculated to assess if this variant is too frequent to cause the disease. Based on the score and internal cut-off values, a variant classified as benign is not then subjected to further curation. The score for this variant resulted in a classification of benign for this disease.

Breakthrough Genomics
Classification: Benign. Review status: criteria provided, single submitter. Criteria: ACMG Guidelines, 2015. Collection method: not provided. Allele origin: germline. Inheritance: Autosomal recessive inheritance. Affected: yes.